The following is an entry in ClinVar:

ClinVar aggregate classification (germline): Likely pathogenic (1 of 4 stars; one submission).

Conditions:
Athabaskan severe combined immunodeficiency (SCIDA). Also called: Severe combined immunodeficiency, athabascan-type. Identifiers: MedGen C1865370.

Submission:

Natera, Inc.
Classification: Likely pathogenic for Athabascan severe combined immunodeficiency. Last evaluated: 2024-10-06. Review status: criteria provided, single submitter. Criteria: Natera Variant Classification Schema (03/2026). Collection method: clinical testing. Allele origin: germline.
Comment: The c.332T>A variant in DCLRE1C is a nonsense variant predicted to introduce a stop codon at amino acid 111. This variant is expected to result in nonsense mediated decay, truncation, or a dysfunctional protein product. This variant is rare in the general population with a frequency below the threshold expected for the associated phenotype(s). Given the available evidence, this variant is classified as Likely Pathogenic.

NM_001033855.3(DCLRE1C):c.332T>A (p.Leu111Ter)

Gene: DCLRE1C (DNA cross-link repair 1C; minus strand). Cytogenetic location: 10p13.
Variant type: single nucleotide variant.
Coding change: c.332T>A on transcript NM_001033855.3 (MANE Select); coding-DNA position 332, T replaced by A.
Protein change: p.Leu111Ter; replaces leucine 111 with a stop codon.
Molecular consequence: nonsense. On other transcripts: non-coding transcript variant (3), intron variant (4), 5 prime UTR variant (5).
Genome position (GRCh38, 1-based): chr10:14,936,568, A>T on the plus strand (T>A on the coding strand, the complement: DCLRE1C is on the minus strand). VCF-style: chr10-14936568-A-T. GRCh37 (hg19) VCF-style: chr10-14978567-A-T.
Other names: c.18-1004T>A (NM_001350966.2, NM_001289078.2, NM_001289076.2 and 1 more transcripts); c.-29T>A (NM_001033857.3, NM_001033858.3, NM_001289077.2 and 2 more transcripts); c.332T>A, p.Leu111Ter (NM_001350965.2); short protein forms L111*.
Identifiers: ClinVar variation 4814550 (VCV004814550.1).